The following is an entry in ClinVar:

NM_000051.4(ATM):c.6222C>A (p.Cys2074Ter)

Genes: ATM (ATM serine/threonine kinase; plus strand), C11orf65 (chromosome 11 open reading frame 65; minus strand). Cytogenetic location: 11q22.3.
Variant type: single nucleotide variant.
Coding change: c.6222C>A on transcript NM_000051.4 (MANE Select); coding-DNA position 6222, C replaced by A.
Protein change: p.Cys2074Ter; replaces cysteine 2074 with a stop codon.
Molecular consequence: nonsense. On other transcripts: intron variant (2).
Genome position (GRCh38, 1-based): chr11:108,317,396, C>A. VCF-style: chr11-108317396-C-A. GRCh37 (hg19) VCF-style: chr11-108188123-C-A.
Other names: c.6222C>A, p.Cys2074Ter (NM_001351834.2); c.641-8325G>T (NM_001330368.2); c.*39-8325G>T (NM_001351110.2); short protein forms C2074*.
Identifiers: ClinVar variation 570212 (VCV000570212.7), dbSNP rs1565502708, ClinGen allele CA382551126.

ClinVar aggregate classification (germline): Pathogenic (1 of 4 stars; one submission).

Conditions:
Ataxia-telangiectasia syndrome (AT). Also called: Cerebello-oculocutaneous telangiectasia; Immunodeficiency with ataxia telangiectasia; Ataxia-telangiectasia, complementation group E; Ataxia-telangiectasia, complementation group D; AT, COMPLEMENTATION GROUP C; ATAXIA-TELANGIECTASIA, COMPLEMENTATION GROUP A. Identifiers: Orphanet 100, MedGen C0004135, MONDO:0008840, OMIM 208900.

Submission:

Labcorp Genetics (formerly Invitae), Labcorp
Classification: Pathogenic for Ataxia-telangiectasia syndrome. Last evaluated: 2018-06-13. Review status: criteria provided, single submitter. Criteria: Invitae Variant Classification Sherloc (09022015). Collection method: clinical testing. Allele origin: germline.
Comment: For these reasons, this variant has been classified as Pathogenic. Loss-of-function variants in ATM are known to be pathogenic (PMID: 23807571, 25614872). This variant has not been reported in the literature in individuals with ATM-related disease. This variant is not present in population databases (ExAC no frequency). This sequence change creates a premature translational stop signal (p.Cys2074*) in the ATM gene. It is expected to result in an absent or disrupted protein product.

Literature cited by the submitters: PubMed 23807571; PubMed 25614872.